The following is an entry in ClinVar:

NM_006231.4(POLE):c.1227-12T>G

Gene: POLE (DNA polymerase epsilon, catalytic subunit; minus strand). Cytogenetic location: 12q24.33.
Variant type: single nucleotide variant.
Coding change: c.1227-12T>G on transcript NM_006231.4 (MANE Select); 12 bases into the intron before coding-DNA position 1227, T replaced by G.
Molecular consequence: intron variant.
Genome position (GRCh38, 1-based): chr12:132,673,719, A>C on the plus strand (T>G on the coding strand, the complement: POLE is on the minus strand). VCF-style: chr12-132673719-A-C. GRCh37 (hg19) VCF-style: chr12-133250305-A-C.
Identifiers: ClinVar variation 2815283 (VCV002815283.3), dbSNP rs2136001120, ClinGen allele CA2727575790.

ClinVar aggregate classification (germline): Uncertain significance (1 of 4 stars; one submission).

Submission:

Labcorp Genetics (formerly Invitae), Labcorp
Classification: Uncertain significance. Last evaluated: 2022-11-19. Review status: criteria provided, single submitter. Criteria: Invitae Variant Classification Sherloc (09022015). Collection method: clinical testing. Allele origin: germline.
Comment: In summary, the available evidence is currently insufficient to determine the role of this variant in disease. Therefore, it has been classified as a Variant of Uncertain Significance. Studies have shown that this variant is associated with altered splicing resulting in unknown protein product impact (Invitae). This variant has not been reported in the literature in individuals affected with POLE-related conditions. This variant is not present in population databases (gnomAD no frequency). This sequence change falls in intron 12 of the POLE gene. It does not directly change the encoded amino acid sequence of the POLE protein.